The following is an entry in ClinVar:

ClinVar aggregate classification (germline): Uncertain significance (1 of 4 stars; one submission).

Conditions:
DYNC1H1-related disorder. Also called: DYNC1H1-related condition; DYNC1H1-related disorders. Identifiers: MedGen CN381529.

Submission:

PreventionGenetics, part of Exact Sciences
Classification: Uncertain significance for DYNC1H1-related condition. Last evaluated: 2023-07-06. Review status: criteria provided, single submitter. Criteria: ACMG Guidelines, 2015. Collection method: clinical testing. Allele origin: germline.
Comment: The DYNC1H1 c.13852_13854delCTC variant is predicted to result in an in-frame deletion (p.Leu4618del). To our knowledge, this variant has not been reported in the literature or in a large population database, indicating this variant is rare. At this time, the clinical significance of this variant is uncertain due to the absence of conclusive functional and genetic evidence.

NM_001376.5(DYNC1H1):c.13852_13854del (p.Leu4618del)

Gene: DYNC1H1 (dynein cytoplasmic 1 heavy chain 1; plus strand). Cytogenetic location: 14q32.31.
Variant type: Deletion.
Coding change: c.13852_13854del on transcript NM_001376.5 (MANE Select); coding-DNA positions 13852 to 13854, 3 bases deleted (CTC; older notation c.13852_13854delCTC).
Protein change: p.Leu4618del; deletes leucine 4618.
Molecular consequence: inframe deletion.
Genome position (GRCh38, 1-based): chr14:102,050,474-102,050,476, CTC deleted; deleting any 3 consecutive bases within chr14:102,050,473-102,050,476 gives the same sequence; the c. name uses the placement nearest the transcript's 3' end. VCF-style (leftmost placement, unchanged base first): chr14-102050472-ACCT-A. GRCh37 (hg19) VCF-style: chr14-102516809-ACCT-A.
Other names: short protein forms L4618del.
Identifiers: ClinVar variation 2633045 (VCV002633045.1), dbSNP rs2503893416, ClinGen allele CA2695197224.
Genomic context (GRCh38, chr14:102,050,472, plus strand): 5'-AGTAAACCCCTCTGCTTCTGCAGGTAACCTTACCTGTCTACCTGAACTTCACCCGTGCAG[ACCT>A]CATCTTCACCGTGGACTTCGAAATTGCTACAAAGGAGGATCCTCGCAGCTTCTACGAGCG-3'